The following is an entry in ClinVar:

NM_000814.6(GABRB3):c.995T>C (p.Phe332Ser)

Gene: GABRB3 (gamma-aminobutyric acid type A receptor subunit beta3; minus strand). Cytogenetic location: 15q12.
Variant type: single nucleotide variant.
Coding change: c.995T>C on transcript NM_000814.6 (MANE Select); coding-DNA position 995, T replaced by C.
Protein change: p.Phe332Ser; replaces phenylalanine 332 with serine.
Molecular consequence: missense variant.
Genome position (GRCh38, 1-based): chr15:26,561,017, A>G on the plus strand (T>C on the coding strand, the complement: GABRB3 is on the minus strand). VCF-style: chr15-26561017-A-G. GRCh37 (hg19) VCF-style: chr15-26806164-A-G.
Other names: c.740T>C, p.Phe247Ser (NM_001191320.2, NM_001278631.2); c.782T>C, p.Phe261Ser (NM_001191321.3); c.995T>C, p.Phe332Ser (NM_021912.5); short protein forms F332S, F247S, F261S.
Identifiers: ClinVar variation 537286 (VCV000537286.8), dbSNP rs1555401411, ClinGen allele CA391461573.

ClinVar aggregate classification (germline): Uncertain significance. Review status: criteria provided, multiple submitters, no conflicts (2 of 4 stars). 2 submissions from 2 submitters: Uncertain significance (2). Last evaluated 2025-06-25.

Conditions:
Epilepsy, childhood absence, susceptibility to, 1. Also called: Epilepsy, childhood absence 1. Identifiers: Orphanet 64280, MedGen C1838604, MONDO:0020759, OMIM 600131.
Epilepsy, childhood absence, susceptibility to, 5. Identifiers: Orphanet 64280, MedGen C2677087, MONDO:0012843, OMIM 612269.
Inborn genetic diseases. Identifiers: MedGen C0950123, MeSH D030342.

Submissions (2):

Ambry Genetics
Classification: Uncertain significance for Inborn genetic diseases. Last evaluated: 2025-06-25. Review status: criteria provided, single submitter. Criteria: Ambry Variant Classification Scheme 2023. Collection method: clinical testing. Allele origin: germline.
Comment: The c.995T>C (p.F332S) alteration is located in exon 8 (coding exon 8) of the GABRB3 gene. This alteration results from a T to C substitution at nucleotide position 995, causing the phenylalanine (F) at amino acid position 332 to be replaced by a serine (S). This variant was not reported in population-based cohorts in the Genome Aggregation Database (gnomAD). This variant was reported in an individual with features consistent with GABRB3-related seizure disorder (Truty, 2019). This amino acid position is highly conserved in available vertebrate species. This alteration is predicted to be deleterious by in silico analysis. Based on insufficient or conflicting evidence, the clinical significance of this alteration remains unclear.

Labcorp Genetics (formerly Invitae), Labcorp
Classification: Uncertain significance for Epilepsy, childhood absence, susceptibility to, 5; Epilepsy, childhood absence, susceptibility to, 1. Last evaluated: 2018-03-14. Review status: criteria provided, single submitter. Criteria: Invitae Variant Classification Sherloc (09022015). Collection method: clinical testing. Allele origin: germline.
Comment: In summary, the available evidence is currently insufficient to determine the role of this variant in disease. Therefore, it has been classified as a Variant of Uncertain Significance. Algorithms developed to predict the effect of missense changes on protein structure and function do not agree on the potential impact of this missense change (SIFT: "Deleterious"; PolyPhen-2: "Possibly Damaging"; Align-GVGD: "Class C0"). This variant has not been reported in the literature in individuals with GABRB3-related disease. This variant is not present in population databases (ExAC no frequency). This sequence change replaces phenylalanine with serine at codon 332 of the GABRB3 protein (p.Phe332Ser). The phenylalanine residue is moderately conserved and there is a large physicochemical difference between phenylalanine and serine.

Literature cited by the submitters: PubMed 31440721 (cited by Ambry Genetics).